The following is an entry in ClinVar:

ClinVar aggregate classification (germline): Conflicting classifications of pathogenicity. Review status: criteria provided, conflicting classifications (1 of 4 stars). 4 submissions from 4 submitters: Uncertain significance (2); Likely benign (1). 1 of the submissions does not count toward it. Last evaluated 2025-12-24.

Conditions:
Connective tissue disorder. Also called: Connective tissue disease. Identifiers: MedGen C0009782, MONDO:0003900.
NKX3-2-related disorder. Also called: NKX3-2-related condition.

Allele frequency attached by ClinVar (database versions not stated): ESP Exome Variant Server 0.00053; gnomAD 0.00097 and 0.00102; gnomAD exomes 0.00105; TOPMed 0.00112; ExAC 0.00159.

Submissions (4):

Labcorp Genetics (formerly Invitae), Labcorp
Classification: Likely benign. Last evaluated: 2025-12-24. Review status: criteria provided, single submitter. Criteria: Invitae Variant Classification Sherloc (09022015). Collection method: clinical testing. Allele origin: germline.

Genome Diagnostics Laboratory, The Hospital for Sick Children
Classification: Uncertain significance for Connective tissue disorder. Last evaluated: 2021-03-17. Review status: criteria provided, single submitter. Criteria: ACMG Guidelines, 2015. Collection method: clinical testing. Allele origin: germline.

Eurofins Ntd Llc (ga)
Classification: Uncertain significance. Last evaluated: 2016-10-18. Review status: criteria provided, single submitter. Criteria: EGL Classification Definitions 2015. Collection method: clinical testing. Allele origin: germline. Observed: 1 variant allele, 1 homozygote.

PreventionGenetics, part of Exact Sciences
Classification: Likely benign for NKX3-2-related condition. Last evaluated: 2020-01-14. Review status: no assertion criteria provided. Collection method: clinical testing. Allele origin: germline. Not counted in ClinVar's aggregate classification.
Comment: This variant is classified as likely benign based on ACMG/AMP sequence variant interpretation guidelines (Richards et al. 2015 PMID: 25741868, with internal and published modifications).

NM_001189.4(NKX3-2):c.148T>G (p.Cys50Gly)

Gene: NKX3-2 (NK3 homeobox 2; minus strand). Cytogenetic location: 4p15.33.
Variant type: single nucleotide variant.
Coding change: c.148T>G on transcript NM_001189.4 (MANE Select); coding-DNA position 148, T replaced by G.
Protein change: p.Cys50Gly; replaces cysteine 50 with glycine.
Molecular consequence: missense variant.
Genome position (GRCh38, 1-based): chr4:13,544,267, A>C on the plus strand (T>G on the coding strand, the complement: NKX3-2 is on the minus strand). VCF-style: chr4-13544267-A-C. GRCh37 (hg19) VCF-style: chr4-13545891-A-C.
Other names: short protein forms C50G.
Identifiers: ClinVar variation 497718 (VCV000497718.21), dbSNP rs371597026, ClinGen allele CA2860476.